The following is an entry in ClinVar:

NM_001127222.2(CACNA1A):c.638A>G (p.Gln213Arg)

Gene: CACNA1A (calcium voltage-gated channel subunit alpha1 A; minus strand). Cytogenetic location: 19p13.13.
Variant type: single nucleotide variant.
Coding change: c.638A>G on transcript NM_001127222.2 (MANE Select); coding-DNA position 638, A replaced by G.
Protein change: p.Gln213Arg; replaces glutamine 213 with arginine.
Molecular consequence: missense variant.
Genome position (GRCh38, 1-based): chr19:13,365,463, T>C on the plus strand (A>G on the coding strand, the complement: CACNA1A is on the minus strand). VCF-style: chr19-13365463-T-C. GRCh37 (hg19) VCF-style: chr19-13476277-T-C.
Other names: c.638A>G, p.Gln213Arg (NM_000068.4, NM_001127221.2, NM_001174080.2 and 1 more transcripts); short protein forms Q213R.
Identifiers: ClinVar variation 3373331 (VCV003373331.1).
Genomic context (GRCh38, chr19:13,365,463, plus strand): 5'-AGGAGGAGGCCGATCTGCAGCAAAGGGATCATCGCCTTCATGATCGACTTCAGGACGACT[T>C]GTAAACCTGGGGGGACACAGAGAGAGGCCCCATAAGCCCATGAGCAAGTACCCCCAAACC-3'
Protein context (NP_001120694.1, residues 203-223): LKLVSGIPSL[Gln213Arg]VVLKSIMKAM

ClinVar aggregate classification (germline): Uncertain significance (1 of 4 stars; one submission).

Submission:

GeneDx
Classification: Uncertain significance. Last evaluated: 2024-04-30. Review status: criteria provided, single submitter. Criteria: GeneDx Variant Classification Process June 2021. Collection method: clinical testing. Allele origin: germline. Affected: yes.
Comment: Not observed at significant frequency in large population cohorts (gnomAD); In silico analysis supports that this missense variant has a deleterious effect on protein structure/function; Has not been previously published as pathogenic or benign to our knowledge